The following is an entry in ClinVar:

NM_000051.4(ATM):c.1406_1413del (p.Arg469fs)

Gene: ATM (ATM serine/threonine kinase; plus strand). Cytogenetic location: 11q22.3.
Variant type: Deletion.
Coding change: c.1406_1413del on transcript NM_000051.4 (MANE Select); coding-DNA positions 1406 to 1413, 8 bases deleted (GGTCAAAC; older notation c.1406_1413delGGTCAAAC).
Protein change: p.Arg469fs; shifts the reading frame from arginine 469.
Molecular consequence: frameshift variant.
Genome position (GRCh38, 1-based): chr11:108,250,871-108,250,878, GGTCAAAC deleted. VCF-style (leftmost placement, unchanged base first): chr11-108250870-AGGTCAAAC-A. GRCh37 (hg19) VCF-style: chr11-108121597-AGGTCAAAC-A.
Other names: c.1406_1413del, p.Arg469fs (NM_001351834.2); short protein forms R469fs.
Identifiers: ClinVar variation 1400575 (VCV001400575.6), dbSNP rs2135321724, ClinGen allele CA2573146639.

ClinVar aggregate classification (germline): Pathogenic (1 of 4 stars; one submission).

Conditions:
Ataxia-telangiectasia syndrome (AT). Also called: Ataxia-telangiectasia, complementation group D; AT, COMPLEMENTATION GROUP C; Ataxia-telangiectasia; Ataxia telangiectasia (A-T); Ataxia-telangiectasia, complementation group E; Cerebello-oculocutaneous telangiectasia. Identifiers: Orphanet 100, MedGen C0004135, MONDO:0008840, OMIM 208900.

Submission:

Labcorp Genetics (formerly Invitae), Labcorp
Classification: Pathogenic for Ataxia-telangiectasia syndrome. Last evaluated: 2023-08-30. Review status: criteria provided, single submitter. Criteria: Invitae Variant Classification Sherloc (09022015). Collection method: clinical testing. Allele origin: germline.
Comment: For these reasons, this variant has been classified as Pathogenic. ClinVar contains an entry for this variant (Variation ID: 1400575). This variant has not been reported in the literature in individuals affected with ATM-related conditions. This variant is not present in population databases (gnomAD no frequency). This sequence change creates a premature translational stop signal (p.Arg469Thrfs*15) in the ATM gene. It is expected to result in an absent or disrupted protein product. Loss-of-function variants in ATM are known to be pathogenic (PMID: 23807571, 25614872).

Literature cited by the submitters: PubMed 23807571; PubMed 25614872.